The following is an entry in ClinVar:

ClinVar aggregate classification (germline): Uncertain significance. Review status: criteria provided, multiple submitters, no conflicts (2 of 4 stars). 2 submissions from 2 submitters: Uncertain significance (2). Last evaluated 2023-02-14.

Allele frequency attached by ClinVar (database versions not stated): gnomAD exomes below 0.00001; TOPMed 0.00002.

Submissions (2):

Labcorp Genetics (formerly Invitae), Labcorp
Classification: Uncertain significance. Last evaluated: 2023-02-14. Review status: criteria provided, single submitter. Criteria: Invitae Variant Classification Sherloc (09022015). Collection method: clinical testing. Allele origin: germline.
Comment: In summary, the available evidence is currently insufficient to determine the role of this variant in disease. Therefore, it has been classified as a Variant of Uncertain Significance. Algorithms developed to predict the effect of missense changes on protein structure and function are either unavailable or do not agree on the potential impact of this missense change (SIFT: "Deleterious"; PolyPhen-2: "Probably Damaging"; Align-GVGD: "Class C0"). This variant has not been reported in the literature in individuals affected with IL12RB2-related conditions. This variant is present in population databases (no rsID available, gnomAD 0.0009%). This sequence change replaces proline, which is neutral and non-polar, with serine, which is neutral and polar, at codon 702 of the IL12RB2 protein (p.Pro702Ser).

Ambry Genetics
Classification: Uncertain significance. Last evaluated: 2022-06-10. Review status: criteria provided, single submitter. Criteria: Ambry Variant Classification Scheme 2023. Collection method: clinical testing. Allele origin: germline.

NM_001374259.2(IL12RB2):c.2104C>T (p.Pro702Ser)

Gene: IL12RB2 (interleukin 12 receptor subunit beta 2; plus strand). Cytogenetic location: 1p31.3.
Variant type: single nucleotide variant.
Coding change: c.2104C>T on transcript NM_001374259.2 (MANE Select); coding-DNA position 2104, C replaced by T.
Protein change: p.Pro702Ser; replaces proline 702 with serine.
Molecular consequence: missense variant. On other transcripts: 3 prime UTR variant (3), non-coding transcript variant (2).
Genome position (GRCh38, 1-based): chr1:67,395,604, C>T. VCF-style: chr1-67395604-C-T. GRCh37 (hg19) VCF-style: chr1-67861287-C-T.
Other names: c.*24C>T (NM_001258214.1, NM_001319233.1); c.1846C>T, p.Pro616Ser (NM_001258215.1); c.*5C>T (NM_001258216.1); c.2104C>T, p.Pro702Ser (NM_001559.3); short protein forms P616S, P702S.
Identifiers: ClinVar variation 2204159 (VCV002204159.5), dbSNP rs1408300224, ClinGen allele CA340734873.